The following is an entry in ClinVar:

ClinVar aggregate classification (germline): Uncertain significance (1 of 4 stars; one submission).

Allele frequency attached by ClinVar (database versions not stated): ExAC 0.00002.

Submission:

Labcorp Genetics (formerly Invitae), Labcorp
Classification: Uncertain significance. Last evaluated: 2024-02-05. Review status: criteria provided, single submitter. Criteria: Invitae Variant Classification Sherloc (09022015). Collection method: clinical testing. Allele origin: germline.
Comment: This sequence change replaces isoleucine, which is neutral and non-polar, with asparagine, which is neutral and polar, at codon 1404 of the OTOGL protein (p.Ile1404Asn). This variant is present in population databases (rs772571285, gnomAD 0.01%). This variant has not been reported in the literature in individuals affected with OTOGL-related conditions. ClinVar contains an entry for this variant (Variation ID: 1936352). An algorithm developed to predict the effect of missense changes on protein structure and function (PolyPhen-2) suggests that this variant is likely to be disruptive. In summary, the available evidence is currently insufficient to determine the role of this variant in disease. Therefore, it has been classified as a Variant of Uncertain Significance.

NM_001378609.3(OTOGL):c.4238T>A (p.Ile1413Asn)

Gene: OTOGL (otogelin like; plus strand). Cytogenetic location: 12q21.31.
Variant type: single nucleotide variant.
Coding change: c.4238T>A on transcript NM_001378609.3 (MANE Select); coding-DNA position 4238, T replaced by A.
Protein change: p.Ile1413Asn; replaces isoleucine 1413 with asparagine.
Molecular consequence: missense variant.
Genome position (GRCh38, 1-based): chr12:80,328,703, T>A. VCF-style: chr12-80328703-T-A. GRCh37 (hg19) VCF-style: chr12-80722483-T-A.
Other names: c.4103T>A, p.Ile1368Asn (NM_001368062.3); c.4238T>A, p.Ile1413Asn (NM_001378610.3, NM_173591.7); short protein forms I1368N, I1413N.
Identifiers: ClinVar variation 1936352 (VCV001936352.5), dbSNP rs772571285, ClinGen allele CA6701312.